The following is an entry in ClinVar:

ClinVar aggregate classification (germline): Uncertain significance (1 of 4 stars; one submission).

Submission:

GeneDx
Classification: Uncertain significance. Last evaluated: 2023-12-18. Review status: criteria provided, single submitter. Criteria: GeneDx Variant Classification Process June 2021. Collection method: clinical testing. Allele origin: germline. Affected: yes.
Comment: Not observed at significant frequency in large population cohorts (gnomAD); In silico analysis supports that this missense variant does not alter protein structure/function; Has not been previously published as pathogenic or benign to our knowledge

NM_130839.5(UBE3A):c.653A>G (p.Asp218Gly)

Genes: SNHG14 (small nucleolar RNA host gene 14; plus strand), UBE3A (ubiquitin protein ligase E3A; minus strand). Cytogenetic location: 15q11.2.
Variant type: single nucleotide variant.
Coding change: c.653A>G on transcript NM_130839.5 (MANE Select); coding-DNA position 653, A replaced by G.
Protein change: p.Asp218Gly; replaces aspartic acid 218 with glycine.
Molecular consequence: missense variant. On other transcripts: non-coding transcript variant (1), intron variant (2).
Genome position (GRCh38, 1-based): chr15:25,371,521, T>C on the plus strand (A>G on the coding strand, the complement: UBE3A is on the minus strand). VCF-style: chr15-25371521-T-C. GRCh37 (hg19) VCF-style: chr15-25616668-T-C.
Other names: c.593A>G, p.Asp198Gly (NM_001354509.2, NM_001354511.2, NM_001354512.2 and 17 more transcripts); c.653A>G, p.Asp218Gly (NM_001354538.2, NM_001354505.1, NM_001354545.2); c.301+3944A>G (NM_001354551.2); c.361+3944A>G (NM_001354550.2); c.662A>G, p.Asp221Gly (NM_000462.5); c.476A>G, p.Asp159Gly (NM_001354546.2); short protein forms D159G, D198G, D218G, D221G.
Identifiers: ClinVar variation 3338740 (VCV003338740.1).